The following is an entry in ClinVar:

NM_001735.3(C5):c.4796C>A (p.Thr1599Asn)

Gene: C5 (complement C5; minus strand). Cytogenetic location: 9q33.2.
Variant type: single nucleotide variant.
Coding change: c.4796C>A on transcript NM_001735.3 (MANE Select); coding-DNA position 4796, C replaced by A.
Protein change: p.Thr1599Asn; replaces threonine 1599 with asparagine.
Molecular consequence: missense variant.
Genome position (GRCh38, 1-based): chr9:120,953,835, G>T on the plus strand (C>A on the coding strand, the complement: C5 is on the minus strand). VCF-style: chr9-120953835-G-T. GRCh37 (hg19) VCF-style: chr9-123716113-G-T.
Other names: c.4814C>A, p.Thr1605Asn (NM_001317163.2); short protein forms T1599N, T1605N.
Identifiers: ClinVar variation 3657501 (VCV003657501.2).

ClinVar aggregate classification (germline): Uncertain significance (1 of 4 stars; one submission).

Submission:

Labcorp Genetics (formerly Invitae), Labcorp
Classification: Uncertain significance. Last evaluated: 2024-06-29. Review status: criteria provided, single submitter. Criteria: Invitae Variant Classification Sherloc (09022015). Collection method: clinical testing. Allele origin: germline.
Comment: This sequence change replaces threonine, which is neutral and polar, with asparagine, which is neutral and polar, at codon 1599 of the C5 protein (p.Thr1599Asn). This variant is not present in population databases (gnomAD no frequency). This variant has not been reported in the literature in individuals affected with C5-related conditions. Advanced modeling of protein sequence and biophysical properties (such as structural, functional, and spatial information, amino acid conservation, physicochemical variation, residue mobility, and thermodynamic stability) performed at Invitae indicates that this missense variant is not expected to disrupt C5 protein function with a negative predictive value of 80%. In summary, the available evidence is currently insufficient to determine the role of this variant in disease. Therefore, it has been classified as a Variant of Uncertain Significance.